The following is an entry in ClinVar:

ClinVar aggregate classification (germline): Uncertain significance. Review status: criteria provided, multiple submitters, no conflicts (2 of 4 stars). 2 submissions from 2 submitters: Uncertain significance (2). Last evaluated 2023-01-01.

Allele frequency attached by ClinVar (database versions not stated): gnomAD exomes 0.00001; ExAC 0.00002; TOPMed 0.00002; gnomAD 0.00003.
gnomAD v4.1: 23 of 1,612,284 alleles (0.0014%); highest among the groups gnomAD compares: East Asian, 0.0045%; no homozygotes.

Submissions (2):

CeGaT Center for Human Genetics Tuebingen
Classification: Uncertain significance. Last evaluated: 2023-01-01. Review status: criteria provided, single submitter. Criteria: CeGaT Center For Human Genetics Tuebingen Variant Classification Criteria Version 2. Collection method: clinical testing. Allele origin: germline. Affected: yes. Observed: 1 variant allele.
Comment: ANK3: PP3

Labcorp Genetics (formerly Invitae), Labcorp
Classification: Uncertain significance. Last evaluated: 2022-07-20. Review status: criteria provided, single submitter. Criteria: Invitae Variant Classification Sherloc (09022015). Collection method: clinical testing. Allele origin: germline.
Comment: Algorithms developed to predict the effect of missense changes on protein structure and function are either unavailable or do not agree on the potential impact of this missense change (SIFT: "Not Available"; PolyPhen-2: "Probably Damaging"; Align-GVGD: "Not Available"). This variant has not been reported in the literature in individuals affected with ANK3-related conditions. This variant is present in population databases (rs762868986, gnomAD 0.004%). This sequence change replaces arginine, which is basic and polar, with cysteine, which is neutral and slightly polar, at codon 915 of the ANK3 protein (p.Arg915Cys). In summary, the available evidence is currently insufficient to determine the role of this variant in disease. Therefore, it has been classified as a Variant of Uncertain Significance.

NM_020987.5(ANK3):c.2743C>T (p.Arg915Cys)

Gene: ANK3 (ankyrin 3; minus strand). Cytogenetic location: 10q21.2.
Variant type: single nucleotide variant.
Coding change: c.2743C>T on transcript NM_020987.5 (MANE Select); coding-DNA position 2743, C replaced by T.
Protein change: p.Arg915Cys; replaces arginine 915 with cysteine.
Molecular consequence: missense variant.
Genome position (GRCh38, 1-based): chr10:60,134,369, G>A on the plus strand (C>T on the coding strand, the complement: ANK3 is on the minus strand). VCF-style: chr10-60134369-G-A. GRCh37 (hg19) VCF-style: chr10-61894127-G-A.
Other names: c.145C>T, p.Arg49Cys (NM_001149.4); c.2725C>T, p.Arg909Cys (NM_001204403.2); c.2746C>T, p.Arg916Cys (NM_001204404.2); c.2743C>T, p.Arg915Cys (NM_001320874.2); short protein forms R49C, R909C, R915C, R916C.
Identifiers: ClinVar variation 2055881 (VCV002055881.28), dbSNP rs762868986, ClinGen allele CA5512640.